The following is an entry in ClinVar:

NM_000430.4(PAFAH1B1):c.387T>C (p.Asp129=)

Gene: PAFAH1B1 (platelet activating factor acetylhydrolase 1b regulatory subunit 1; plus strand). Cytogenetic location: 17p13.3.
Variant type: single nucleotide variant.
Coding change: c.387T>C on transcript NM_000430.4 (MANE Select); coding-DNA position 387, T replaced by C.
Protein change: p.Asp129=; no amino-acid change (aspartic acid 129 retained).
Molecular consequence: synonymous variant.
Genome position (GRCh38, 1-based): chr17:2,667,186, T>C. VCF-style: chr17-2667186-T-C. GRCh37 (hg19) VCF-style: chr17-2570480-T-C.
Identifiers: ClinVar variation 159518 (VCV000159518.46), dbSNP rs140936904, ClinGen allele CA172936.
Genomic context (GRCh38, chr17:2,667,186, plus strand): 5'-TCCAGTCACTCGAGTCATTTTCCATCCTGTGTTCAGTGTTATGGTCTCTGCTTCAGAGGA[T>C]GCTACAATTAAGGTAATTTTTTGTTAAAAGCAGACTTAACGGGAGGCTGAAGCAGGAGAA-3'
Protein context (NP_000421.1, residues 119-139): VFSVMVSASE[Asp129=]ATIKVWDYET

ClinVar aggregate classification (germline): Conflicting classifications of pathogenicity. Review status: criteria provided, conflicting classifications (1 of 4 stars). 6 submissions from 6 submitters: Uncertain significance (1); Benign (2); Likely benign (3). Last evaluated 2026-08-01.

Allele frequency attached by ClinVar (database versions not stated): 1000 Genomes Project 0.00020; 1000 Genomes Project 30x 0.00031; ESP Exome Variant Server 0.00031; gnomAD 0.00052 and 0.00055; gnomAD exomes 0.00056 and 0.00097; TOPMed 0.00077; ExAC 0.00078.
gnomAD v4.1: 940 of 1,612,922 alleles (0.058%); highest among the groups gnomAD compares: Middle Eastern, 1.4%; 4 homozygotes.

Submissions (6):

CeGaT Center for Human Genetics Tuebingen
Classification: Likely benign. Last evaluated: 2026-08-01. Review status: criteria provided, single submitter. Criteria: CeGaT Center For Human Genetics Tuebingen Variant Classification Criteria Version 2. Collection method: clinical testing. Allele origin: germline. Affected: yes. Observed: 7 variant alleles.
Comment: PAFAH1B1: BP4, BP7, BS1

Labcorp Genetics (formerly Invitae), Labcorp
Classification: Benign. Last evaluated: 2026-01-26. Review status: criteria provided, single submitter. Criteria: Invitae Variant Classification Sherloc (09022015). Collection method: clinical testing. Allele origin: germline.

Blueprint Genetics
Classification: Likely benign. Last evaluated: 2024-09-27. Review status: criteria provided, single submitter. Criteria: ACMG Guidelines, 2015. Collection method: clinical testing. Allele origin: germline.

GeneDx
Classification: Benign. Last evaluated: 2019-01-07. Review status: criteria provided, single submitter. Criteria: GeneDx Variant Classification Process June 2021. Collection method: clinical testing. Allele origin: germline. Affected: yes.

Eurofins Ntd Llc (ga)
Classification: Uncertain significance. Last evaluated: 2015-05-21. Review status: criteria provided, single submitter. Criteria: EGL Classification Definitions 2015. Collection method: clinical testing. Allele origin: germline. Observed: 2 variant alleles, 1 heterozygote.

Genetic Services Laboratory, University of Chicago
Classification: Likely benign. Last evaluated: 2013-02-08. Review status: criteria provided, single submitter. Criteria: ACMG Guidelines, 2007. Collection method: clinical testing. Allele origin: germline. Inheritance: Autosomal dominant inheritance.